The following is an entry in ClinVar:

NM_000245.4(MET):c.2583+6A>G

Gene: MET (MET proto-oncogene, receptor tyrosine kinase; plus strand). Cytogenetic location: 7q31.2.
Variant type: single nucleotide variant.
Coding change: c.2583+6A>G on transcript NM_000245.4 (MANE Select); 6 bases into the intron after coding-DNA position 2583, A replaced by G.
Molecular consequence: intron variant.
Genome position (GRCh38, 1-based): chr7:116,763,274, A>G. VCF-style: chr7-116763274-A-G. GRCh37 (hg19) VCF-style: chr7-116403328-A-G.
Other names: c.2637+6A>G (NM_001127500.3, NM_001127500.2); c.1293+6A>G (NM_001324402.2); c.2583+6A>G (NM_001324401.3).
Identifiers: ClinVar variation 246633 (VCV000246633.15), dbSNP rs769647929, ClinGen allele CA4448505.
Genomic context (GRCh38, chr7:116,763,274, plus strand): 5'-TTTTGAAAAGCCAGTGATGATCTCAATGGGCAATGAAAATGTACTGGAAATTAAGGTAAG[A>G]AATGCTTTAAACACTGTCTTAAATCATCAGCTCAAACTTAATTGACTTCATAGCTATGTG-3'

ClinVar aggregate classification (germline): Likely benign. Review status: criteria provided, multiple submitters, no conflicts (2 of 4 stars). 4 submissions from 4 submitters: Likely benign (3). 1 of the submissions does not count toward it. Last evaluated 2026-01-28.

Conditions:
Hereditary cancer-predisposing syndrome. Also called: Hereditary neoplastic syndrome; Neoplastic Syndromes, Hereditary; Tumor predisposition; Hereditary Cancer Syndrome. Identifiers: Orphanet 140162, MedGen C0027672, MeSH D009386, MONDO:0015356.
Renal cell carcinoma. Identifiers: Orphanet 217071, MedGen C0007134, MeSH D002292, MONDO:0005086, HP:0005584.
MET-related disorder. Also called: MET-related condition.

Allele frequency attached by ClinVar (database versions not stated): gnomAD exomes 0.00003 and 0.00016; gnomAD 0.00004; TOPMed 0.00008; ExAC 0.00013.
gnomAD v4.1: 49 of 1,610,840 alleles (0.003%); highest among the groups gnomAD compares: East Asian, 0.089%; no homozygotes.

Submissions (4):

Labcorp Genetics (formerly Invitae), Labcorp
Classification: Likely benign for Renal cell carcinoma. Last evaluated: 2026-01-28. Review status: criteria provided, single submitter. Criteria: Invitae Variant Classification Sherloc (09022015). Collection method: clinical testing. Allele origin: germline.

Sema4
Classification: Likely benign for Hereditary cancer-predisposing syndrome. Last evaluated: 2022-02-09. Review status: criteria provided, single submitter. Criteria: Sema4 Curation Guidelines. Collection method: curation. Allele origin: germline.

GeneDx
Classification: Likely benign. Last evaluated: 2020-12-09. Review status: criteria provided, single submitter. Criteria: GeneDx Variant Classification Process June 2021. Collection method: clinical testing. Allele origin: germline. Affected: yes.

PreventionGenetics, part of Exact Sciences
Classification: Likely benign for MET-related condition. Last evaluated: 2024-03-09. Review status: no assertion criteria provided. Collection method: clinical testing. Allele origin: germline. Not counted in ClinVar's aggregate classification.
Comment: This variant is classified as likely benign based on ACMG/AMP sequence variant interpretation guidelines (Richards et al. 2015 PMID: 25741868, with internal and published modifications).